The following is an entry in ClinVar:

ClinVar aggregate classification (germline): Uncertain significance (1 of 4 stars; one submission).

Submission:

GeneDx
Classification: Uncertain significance. Last evaluated: 2025-03-13. Review status: criteria provided, single submitter. Criteria: GeneDx Variant Classification Process June 2021. Collection method: clinical testing. Allele origin: germline. Affected: yes.
Comment: Not observed at significant frequency in large population cohorts (gnomAD); In silico analysis supports that this missense variant has a deleterious effect on protein structure/function; Has not been previously published as pathogenic or benign to our knowledge

NM_001378452.1(ITPR1):c.2575G>C (p.Glu859Gln)

Gene: ITPR1 (inositol 1,4,5-trisphosphate receptor type 1; plus strand). Cytogenetic location: 3p26.1.
Variant type: single nucleotide variant.
Coding change: c.2575G>C on transcript NM_001378452.1 (MANE Select); coding-DNA position 2575, G replaced by C.
Protein change: p.Glu859Gln; replaces glutamic acid 859 with glutamine.
Molecular consequence: missense variant.
Genome position (GRCh38, 1-based): chr3:4,674,320, G>C. VCF-style: chr3-4674320-G-C. GRCh37 (hg19) VCF-style: chr3-4716004-G-C.
Other names: c.2575G>C, p.Glu859Gln (NM_001099952.4); c.2530G>C, p.Glu844Gln (NM_001168272.2, NM_002222.7); short protein forms E844Q, E859Q.
Identifiers: ClinVar variation 3372191 (VCV003372191.2).
Genomic context (GRCh38, chr3:4,674,320, plus strand): 5'-GAGTTTGTGGAGGAGTATTTAAGAGATGTGGTTTGTCAGAGGTTCCCTTTCTCTGATAAA[G>C]AGAAGAATAAGCTTACGTTTGAGGTAACTCATGATGAAATCTTCTATGTGTATTATCTGC-3'
Protein context (NP_001365381.1, residues 849-869): VCQRFPFSDK[Glu859Gln]KNKLTFEVVN